The following is an entry in ClinVar:

ClinVar aggregate classification (germline): Pathogenic (1 of 4 stars; one submission).

Submission:

Labcorp Genetics (formerly Invitae), Labcorp
Classification: Pathogenic. Last evaluated: 2021-04-12. Review status: criteria provided, single submitter. Criteria: Invitae Variant Classification Sherloc (09022015). Collection method: clinical testing. Allele origin: germline.
Comment: For these reasons, this variant has been classified as Pathogenic. This variant disrupts the p.Arg212 amino acid residue in MYO7A. Other variant(s) that disrupt this residue have been determined to be pathogenic (PMID: 15043528, 27957503, 18700726). This suggests that this residue is clinically significant, and that variants that disrupt this residue are likely to be disease-causing. This variant has been observed in individual(s) with clinical features of Usher syndrome (Invitae). In at least one individual the data is consistent with the variant being in trans (on the opposite chromosome) from a pathogenic variant. This variant is a gross deletion of the genomic region encompassing exon(s) 3-15 of the MYO7A gene. This variant would be expected to be in-frame, preserving the integrity of the reading frame.

Literature cited by the submitters: PubMed 15043528; PubMed 27957503; PubMed 18700726.

NC_000011.9:g.(?_76853735)_(76877228_?)del

Gene: MYO7A (myosin VIIA; plus strand). Cytogenetic location: 11q13.5.
Variant type: Deletion.
Identifiers: ClinVar variation 1459500 (VCV001459500.6).